The following is an entry in ClinVar:

ClinVar aggregate classification (germline): Pathogenic (1 of 4 stars; one submission).

Conditions:
46,XY sex reversal 1. Also called: SRY-related 46,XY complete gonadal dysgenesis; 46,XY SEX REVERSAL, SRY-RELATED. Identifiers: Orphanet 242, MedGen C2748896, MONDO:0020712, OMIM 400044.

Submission:

Labcorp Genetics (formerly Invitae), Labcorp
Classification: Pathogenic for 46,XY sex reversal 1. Last evaluated: 2024-11-11. Review status: criteria provided, single submitter. Criteria: Invitae Variant Classification Sherloc (09022015). Collection method: clinical testing. Allele origin: germline.
Comment: This sequence change replaces tyrosine, which is neutral and polar, with cysteine, which is neutral and slightly polar, at codon 127 of the SRY protein (p.Tyr127Cys). The frequency data for this variant in the population databases is considered unreliable, as metrics indicate insufficient coverage at this position in the gnomAD database. This missense change has been observed in individual(s) with 46,XY disorder of sexual development (46,XY DSD) (PMID: 8019555; internal data). In at least one individual the variant was observed to be de novo. ClinVar contains an entry for this variant (Variation ID: 470196). An algorithm developed to predict the effect of missense changes on protein structure and function (PolyPhen-2) suggests that this variant is likely to be disruptive. Experimental studies have shown that this missense change affects SRY function (PMID: 12409269, 20528776). This variant disrupts the p.Tyr127 amino acid residue in SRY. Other variant(s) that disrupt this residue have been observed in individuals with SRY-related conditions (PMID: 12107262, 28787711), which suggests that this may be a clinically significant amino acid residue. For these reasons, this variant has been classified as Pathogenic.

Literature cited by the submitters: PubMed 8019555; PubMed 12409269; PubMed 20528776; PubMed 12107262; PubMed 28787711.

NM_003140.3(SRY):c.380A>G (p.Tyr127Cys)

Gene: SRY (sex determining region Y; minus strand). Cytogenetic location: Yp11.2.
Variant type: single nucleotide variant.
Coding change: c.380A>G on transcript NM_003140.3 (MANE Select); coding-DNA position 380, A replaced by G.
Protein change: p.Tyr127Cys; replaces tyrosine 127 with cysteine.
Molecular consequence: missense variant.
Genome position (GRCh38, 1-based): chrY:2,787,224, T>C on the plus strand (A>G on the coding strand, the complement: SRY is on the minus strand). VCF-style: chrY-2787224-T-C. GRCh37 (hg19) VCF-style: chrY-2655265-T-C.
Other names: short protein forms Y127C.
Identifiers: ClinVar variation 470196 (VCV000470196.11), dbSNP rs104894973, ClinGen allele CA414941142.